The following is an entry in ClinVar:

NM_005045.4(RELN):c.4737A>T (p.Gln1579His)

Gene: RELN (reelin; minus strand). Cytogenetic location: 7q22.1.
Variant type: single nucleotide variant.
Coding change: c.4737A>T on transcript NM_005045.4 (MANE Select); coding-DNA position 4737, A replaced by T.
Protein change: p.Gln1579His; replaces glutamine 1579 with histidine.
Molecular consequence: missense variant.
Genome position (GRCh38, 1-based): chr7:103,566,611, T>A on the plus strand (A>T on the coding strand, the complement: RELN is on the minus strand). VCF-style: chr7-103566611-T-A. GRCh37 (hg19) VCF-style: chr7-103207058-T-A.
Other names: c.4737A>T, p.Gln1579His (NM_173054.3); short protein forms Q1579H.
Identifiers: ClinVar variation 1514003 (VCV001514003.6), dbSNP rs768948021, ClinGen allele CA368748354.

ClinVar aggregate classification (germline): Uncertain significance (1 of 4 stars; one submission).

Conditions:
Norman-Roberts syndrome (LIS2). Also called: Lissencephaly 2 (Norman-Roberts type). Identifiers: Orphanet 89844, MedGen C0796089, MONDO:0009760, OMIM 257320.
Familial temporal lobe epilepsy 7. Identifiers: Orphanet 101046, MedGen C4225327, MONDO:0014639, OMIM 616436.

Submission:

Labcorp Genetics (formerly Invitae), Labcorp
Classification: Uncertain significance for Familial temporal lobe epilepsy 7; Norman-Roberts syndrome. Last evaluated: 2021-08-19. Review status: criteria provided, single submitter. Criteria: Invitae Variant Classification Sherloc (09022015). Collection method: clinical testing. Allele origin: germline.
Comment: In summary, the available evidence is currently insufficient to determine the role of this variant in disease. Therefore, it has been classified as a Variant of Uncertain Significance. Algorithms developed to predict the effect of missense changes on protein structure and function are either unavailable or do not agree on the potential impact of this missense change (SIFT: "Deleterious"; PolyPhen-2: "Probably Damaging"; Align-GVGD: "Class C0"). This variant has not been reported in the literature in individuals affected with RELN-related conditions. This variant is not present in population databases (ExAC no frequency). This sequence change replaces glutamine with histidine at codon 1579 of the RELN protein (p.Gln1579His). The glutamine residue is highly conserved and there is a small physicochemical difference between glutamine and histidine.